The following is an entry in ClinVar:

ClinVar aggregate classification (germline): Conflicting classifications of pathogenicity. Review status: criteria provided, conflicting classifications (1 of 4 stars). 2 submissions from 2 submitters: Likely pathogenic (1); Uncertain significance (1). Last evaluated 2022-02-01.

Conditions:
Congenital central hypoventilation. Also called: Congenital Central Hypoventilation Syndrome. Identifiers: Orphanet 661, Orphanet 99803, MedGen C1275808, MONDO:0800031. Disease mechanism: gain of function.

Submissions (2):

Daryl Scott Lab, Baylor College of Medicine
Classification: Likely pathogenic for Central hypoventilation syndrome, congenital, 1, with or without Hirschsprung disease. Last evaluated: 2022-02-01. Review status: criteria provided, single submitter. Criteria: ACMG Guidelines, 2015. Collection method: clinical testing. Allele origin: de novo. Affected: yes. Observed: 1 variant allele.

Baylor Genetics
Classification: Uncertain significance for Central hypoventilation syndrome, congenital, 1, with or without Hirschsprung disease. Last evaluated: 2017-09-01. Review status: criteria provided, single submitter. Criteria: ACMG Guidelines, 2015. Collection method: clinical testing. Allele origin: de novo. Inheritance: Autosomal dominant inheritance. Affected: yes.

Literature cited by the submitters: PubMed 36474027 (cited by Daryl Scott Lab, Baylor College of Medicine); PubMed 25326635 (cited by Baylor Genetics).

NM_003924.4(PHOX2B):c.385G>A (p.Glu129Lys)

Gene: PHOX2B (paired like homeobox 2B; minus strand). Cytogenetic location: 4p13.
Variant type: single nucleotide variant.
Coding change: c.385G>A on transcript NM_003924.4 (MANE Select); coding-DNA position 385, G replaced by A.
Protein change: p.Glu129Lys; replaces glutamic acid 129 with lysine.
Molecular consequence: missense variant.
Genome position (GRCh38, 1-based): chr4:41,747,393, C>T on the plus strand (G>A on the coding strand, the complement: PHOX2B is on the minus strand). VCF-style: chr4-41747393-C-T. GRCh37 (hg19) VCF-style: chr4-41749410-C-T.
Other names: short protein forms E129K.
Identifiers: ClinVar variation 561080 (VCV000561080.3), dbSNP rs1560466246, ClinGen allele CA356739937.
Genomic context (GRCh38, chr4:41,747,393, plus strand): 5'-TTCCAGGCGCGCGTACCTGGACTCGCGCCTCTGTGAGGTCGATCTTCAGGGCCAGCTCCT[C>T]CCGAGTGTAGATGTCGGGGTAGTGAGTCTCCGCGAAGACCCTTTCCAGCTCTTTGAGCTG-3'
Protein context (NP_003915.2, residues 119-139): ETHYPDIYTR[Glu129Lys]ELALKIDLTE